The following is an entry in ClinVar:

NC_000016.10:g.(?_23623999)_(23626407_?)del

Gene: PALB2 (partner and localizer of BRCA2; minus strand). Cytogenetic location: 16p12.2.
Variant type: Deletion.
Identifiers: ClinVar variation 584130 (VCV000584130.10).

ClinVar aggregate classification (germline): Pathogenic (1 of 4 stars; one submission).

Conditions:
Familial cancer of breast. Also called: Hereditary breast cancer; hereditary breast carcinoma; BREAST CANCER, FAMILIAL. Identifiers: Orphanet 227535, MedGen C0346153, MONDO:0016419, OMIM 114480. Disease mechanism: loss of function.

Submission:

Labcorp Genetics (formerly Invitae), Labcorp
Classification: Pathogenic for Familial cancer of breast. Last evaluated: 2020-12-04. Review status: criteria provided, single submitter. Criteria: Invitae Variant Classification Sherloc (09022015). Collection method: clinical testing. Allele origin: germline.
Comment: This variant is an out-of-frame deletion of the genomic region encompassing exons 7-8 of the PALB2 gene. This is expected to create a premature translational stop signal and result in an absent or disrupted protein product. For these reasons, this variant has been classified as Pathogenic. Loss-of-function variants in PALB2 are known to be pathogenic (PMID: 17200668, 24136930, 25099575). This variant has been observed in an individual affected with breast cancer (PMID:¬†24136930).

Literature cited by the submitters: PubMed 17200668; PubMed 24136930; PubMed 25099575.